The following is an entry in ClinVar:

NM_004380.3(CREBBP):c.1331-12_1331-9del

Gene: CREBBP (CREB binding lysine acetyltransferase; minus strand). Cytogenetic location: 16p13.3.
Variant type: Deletion.
Coding change: c.1331-12_1331-9del on transcript NM_004380.3 (MANE Select); 12 bases into the intron before coding-DNA position 1331 through 9 bases into the intron before coding-DNA position 1331, 4 bases deleted (TTGT; older notation c.1331-12_1331-9delTTGT).
Molecular consequence: intron variant.
Genome position (GRCh38, 1-based): chr16:3,782,935-3,782,938, ACAA deleted on the plus strand (TTGT on the coding strand, the reverse complement: CREBBP is on the minus strand); deleting any 4 consecutive bases within chr16:3,782,935-3,782,941 gives the same sequence; the c. name uses the placement nearest the transcript's 3' end. VCF-style (leftmost placement, unchanged base first): chr16-3782934-GACAA-G. GRCh37 (hg19) VCF-style: chr16-3832935-GACAA-G.
Other names: c.1217-12_1217-9del (NM_001079846.1); c.1331-12_1331-9delTTGT (NM_004380.2).
Identifiers: ClinVar variation 198169 (VCV000198169.28), dbSNP rs765955245, ClinGen allele CA246683.

ClinVar aggregate classification (germline): Conflicting classifications of pathogenicity. Review status: criteria provided, conflicting classifications (1 of 4 stars). 5 submissions from 5 submitters: Uncertain significance (1); Likely benign (3). 1 of the submissions does not count toward it. Last evaluated 2025-12-16.

Conditions:
CREBBP-related disorder. Also called: CREBBP-related condition; CREBBP-related disorders.
Rubinstein-Taybi syndrome (RSTS). Identifiers: Orphanet 783, MedGen C0035934, MONDO:0019188.

Submissions (5):

Labcorp Genetics (formerly Invitae), Labcorp
Classification: Likely benign for Rubinstein-Taybi syndrome. Last evaluated: 2025-12-16. Review status: criteria provided, single submitter. Criteria: Invitae Variant Classification Sherloc (09022015). Collection method: clinical testing. Allele origin: germline.

Blueprint Genetics
Classification: Likely benign. Last evaluated: 2024-10-10. Review status: criteria provided, single submitter. Criteria: ACMG Guidelines, 2015. Collection method: clinical testing. Allele origin: germline.

CeGaT Center for Human Genetics Tuebingen
Classification: Likely benign. Last evaluated: 2024-07-01. Review status: criteria provided, single submitter. Criteria: CeGaT Center For Human Genetics Tuebingen Variant Classification Criteria Version 2. Collection method: clinical testing. Allele origin: germline. Affected: yes. Observed: 1 variant allele.
Comment: CREBBP: BS1

Eurofins Ntd Llc (ga)
Classification: Uncertain significance. Last evaluated: 2015-04-03. Review status: criteria provided, single submitter. Criteria: EGL Classification Definitions 2015. Collection method: clinical testing. Allele origin: germline. Observed: 2 variant alleles, 2 heterozygotes.

PreventionGenetics, part of Exact Sciences
Classification: Likely benign for CREBBP-related condition. Last evaluated: 2021-08-19. Review status: no assertion criteria provided. Collection method: clinical testing. Allele origin: germline. Not counted in ClinVar's aggregate classification.
Comment: This variant is classified as likely benign based on ACMG/AMP sequence variant interpretation guidelines (Richards et al. 2015 PMID: 25741868, with internal and published modifications).